The following is an entry in ClinVar:

ClinVar aggregate classification (germline): Benign (1 of 4 stars; one submission).

Allele frequency attached by ClinVar (database versions not stated): 1000 Genomes Project 0.58307; 1000 Genomes Project 30x 0.58854; ExAC 0.60414; gnomAD exomes 0.65711; TOPMed 0.66131; gnomAD 0.66165 and 0.66786; ESP Exome Variant Server 0.69638.
gnomAD v4.1: 1,021,014 of 1,507,136 alleles (68%); highest among the groups gnomAD compares: Admixed American, 75%; 349,257 homozygotes.

Submission:

GeneDx
Classification: Benign. Last evaluated: 2018-06-19. Review status: criteria provided, single submitter. Criteria: GeneDx Variant Classification (06012015). Collection method: clinical testing. Allele origin: germline. Affected: yes.
Comment: This variant is considered likely benign or benign based on one or more of the following criteria: it is a conservative change, it occurs at a poorly conserved position in the protein, it is predicted to be benign by multiple in silico algorithms, and/or has population frequency not consistent with disease.

NM_013352.4(DSE):c.911-50G>T

Gene: DSE (dermatan sulfate epimerase; plus strand). Cytogenetic location: 6q22.1.
Variant type: single nucleotide variant.
Coding change: c.911-50G>T on transcript NM_013352.4 (MANE Select); 50 bases into the intron before coding-DNA position 911, G replaced by T.
Molecular consequence: intron variant.
Genome position (GRCh38, 1-based): chr6:116,433,293, G>T. VCF-style: chr6-116433293-G-T. GRCh37 (hg19) VCF-style: chr6-116754456-G-T.
Other names: c.911-50G>T (NM_001322937.2, NM_001322938.2, NM_001080976.3); c.350-50G>T (NM_001322940.2, NM_001322941.2); c.968-50G>T (NM_001322939.2); c.910+2100G>T (NM_001322944.2); c.671-2294G>T (NM_001322943.2).
Identifiers: ClinVar variation 678111 (VCV000678111.1), dbSNP rs574278, ClinGen allele CA3969597.